The following is an entry in ClinVar:

NM_018297.4(NGLY1):c.658+6A>G

Gene: NGLY1 (N-glycanase 1; minus strand). Cytogenetic location: 3p24.2.
Variant type: single nucleotide variant.
Coding change: c.658+6A>G on transcript NM_018297.4 (MANE Select); 6 bases into the intron after coding-DNA position 658, A replaced by G.
Molecular consequence: intron variant.
Genome position (GRCh38, 1-based): chr3:25,751,092, T>C on the plus strand (A>G on the coding strand, the complement: NGLY1 is on the minus strand). VCF-style: chr3-25751092-T-C. GRCh37 (hg19) VCF-style: chr3-25792583-T-C.
Other names: c.532+6A>G (NM_001145294.2); c.658+6A>G (NM_001145295.2, NM_001145293.2).
Identifiers: ClinVar variation 1353968 (VCV001353968.6), dbSNP rs2125512565, ClinGen allele CA2573136255.

ClinVar aggregate classification (germline): Uncertain significance (1 of 4 stars; one submission).

Conditions:
Congenital disorder of deglycosylation (CDDG). Identifiers: MedGen C3808991, MONDO:0031376.

Submission:

Labcorp Genetics (formerly Invitae), Labcorp
Classification: Uncertain significance for Congenital disorder of deglycosylation. Last evaluated: 2021-05-16. Review status: criteria provided, single submitter. Criteria: Invitae Variant Classification Sherloc (09022015). Collection method: clinical testing. Allele origin: germline.
Comment: This sequence change falls in intron 4 of the NGLY1 gene. It does not directly change the encoded amino acid sequence of the NGLY1 protein. It affects a nucleotide within the consensus splice site of the intron. This variant is not present in population databases (ExAC no frequency). This variant has not been reported in the literature in individuals with NGLY1-related conditions. Nucleotide substitutions within the consensus splice site are a relatively common cause of aberrant splicing (PMID: 17576681, 9536098). Algorithms developed to predict the effect of sequence changes on RNA splicing suggest that this variant is not likely to affect RNA splicing, but this prediction has not been confirmed by published transcriptional studies. In summary, the available evidence is currently insufficient to determine the role of this variant in disease. Therefore, it has been classified as a Variant of Uncertain Significance.

Literature cited by the submitters: PubMed 17576681; PubMed 9536098.